The following is an entry in ClinVar:

NM_005431.2(XRCC2):c.499A>G (p.Asn167Asp)

Gene: XRCC2 (X-ray repair cross complementing 2; minus strand). Cytogenetic location: 7q36.1.
Variant type: single nucleotide variant.
Coding change: c.499A>G on transcript NM_005431.2 (MANE Select); coding-DNA position 499, A replaced by G.
Protein change: p.Asn167Asp; replaces asparagine 167 with aspartic acid.
Molecular consequence: missense variant.
Genome position (GRCh38, 1-based): chr7:152,648,986, T>C on the plus strand (A>G on the coding strand, the complement: XRCC2 is on the minus strand). VCF-style: chr7-152648986-T-C. GRCh37 (hg19) VCF-style: chr7-152346071-T-C.
Other names: short protein forms N167D.
Identifiers: ClinVar variation 5032088 (VCV005032088.1).

ClinVar aggregate classification (germline): Uncertain significance (1 of 4 stars; one submission).

Conditions:
Hereditary cancer-predisposing syndrome. Also called: Neoplastic Syndromes, Hereditary; Tumor predisposition; Hereditary neoplastic syndrome; Hereditary Cancer Syndrome. Identifiers: Orphanet 140162, MedGen C0027672, MeSH D009386, MONDO:0015356.

Submission:

Ambry Genetics
Classification: Uncertain significance for Hereditary cancer-predisposing syndrome. Last evaluated: 2026-06-21. Review status: criteria provided, single submitter. Criteria: Ambry Variant Classification Scheme 2023. Collection method: clinical testing. Allele origin: germline.
Comment: The p.N167D variant (also known as c.499A>G), located in coding exon 3 of the XRCC2 gene, results from an A to G substitution at nucleotide position 499. The asparagine at codon 167 is replaced by aspartic acid, an amino acid with highly similar properties. This amino acid position is conserved. In addition, this alteration is predicted to be tolerated by in silico analysis. Based on the available evidence, the clinical significance of this variant remains unclear.